The following is an entry in ClinVar:

NM_016734.3(PAX5):c.253G>A (p.Gly85Arg)

Gene: PAX5 (paired box 5; minus strand). Cytogenetic location: 9p13.2.
Variant type: single nucleotide variant.
Coding change: c.253G>A on transcript NM_016734.3 (MANE Select); coding-DNA position 253, G replaced by A.
Protein change: p.Gly85Arg; replaces glycine 85 with arginine.
Molecular consequence: missense variant. On other transcripts: 5 prime UTR variant (2), non-coding transcript variant (2), intron variant (1).
Genome position (GRCh38, 1-based): chr9:37,015,154, C>T on the plus strand (G>A on the coding strand, the complement: PAX5 is on the minus strand). VCF-style: chr9-37015154-C-T. GRCh37 (hg19) VCF-style: chr9-37015151-C-T.
Other names: c.253G>A, p.Gly85Arg (NM_001280547.2, NM_001280548.2, NM_001280549.2 and 4 more transcripts); c.-72G>A (NM_001280551.2, NM_001280556.2); c.212+5482G>A (NM_001280555.2); short protein forms G85R.
Identifiers: ClinVar variation 1172745 (VCV001172745.5), dbSNP rs2132472428, ClinGen allele CA373488072.
Genomic context (GRCh38, chr9:37,015,154, plus strand): 5'-GGCGTTTATATTCAGCGATTTTTTCCACCACTTTGGGTGTGGCGACCTTTGGTTTGGATC[C>T]TCCAATTACCCCAGGCTTGATGCTTCCTGTCTCATAATACCTAGGACCCAAAGAGAAAGA-3'
Protein context (NP_057953.1, residues 75-95): TGSIKPGVIG[Gly85Arg]SKPKVATPKV

ClinVar aggregate classification (germline): Conflicting classifications of pathogenicity. Review status: criteria provided, conflicting classifications (1 of 4 stars). 2 submissions from 2 submitters: Likely pathogenic (1); Uncertain significance (1). Last evaluated 2024-08-22.

Conditions:
Leukemia, acute lymphoblastic, susceptibility to, 3 (ALL3). Identifiers: MedGen C3809874, MONDO:0014241, OMIM 615545.

Submissions (2):

Labcorp Genetics (formerly Invitae), Labcorp
Classification: Uncertain significance. Last evaluated: 2024-08-22. Review status: criteria provided, single submitter. Criteria: Invitae Variant Classification Sherloc (09022015). Collection method: clinical testing. Allele origin: germline.
Comment: This sequence change replaces glycine, which is neutral and non-polar, with arginine, which is basic and polar, at codon 85 of the PAX5 protein (p.Gly85Arg). This variant is not present in population databases (gnomAD no frequency). This variant has not been reported in the literature in individuals affected with PAX5-related conditions. ClinVar contains an entry for this variant (Variation ID: 1172745). Invitae Evidence Modeling of protein sequence and biophysical properties (such as structural, functional, and spatial information, amino acid conservation, physicochemical variation, residue mobility, and thermodynamic stability) indicates that this missense variant is expected to disrupt PAX5 protein function with a positive predictive value of 80%. In summary, the available evidence is currently insufficient to determine the role of this variant in disease. Therefore, it has been classified as a Variant of Uncertain Significance.

St. Jude Molecular Pathology, St. Jude Children's Research Hospital
Classification: Likely pathogenic for Leukemia, acute lymphoblastic, susceptibility to, 3. Last evaluated: 2021-05-20. Review status: criteria provided, single submitter. Criteria: St. Jude Assertion Criteria 2020. Collection method: clinical testing. Allele origin: germline. Affected: yes.
Comment: The PAX5 c.253G>A (p.Gly85Arg) missense change replaces glycine with arginine at codon 85 of the PAX5 gene and is absent in population databases including gnomAD v2.1.1 (PM2_supporting). The glycine residue is highly conserved across species and the glycine and arginine substitution is a non-conservative amino acid change, which is likely to impact secondary protein structure as these residues differ in polarity, charge, size and/or other properties. Seven of seven in silico tools predict a deleterious effect of this variant on protein function (PP3). Experimental data indicates that this variant likely plays a role in leukemogenesis. In a mutagenesis experiment, multiple ENU treated Pax5+/- mice acquired p.Gly85Arg mutations (PS3; PMID: 25855603). In a mouse model of BCR-ABL1 leukemia, a Pax5+/+ mouse was found to be homozygous for this variant and exhibited a pre-pro B leukemic phenotype (DOI 10.1182/blood.V112.11.293.293). This is consistent with literature reports of individuals with B cell acute lymphoblastic leukemia and pathogenic germline variants in PAX5 (PMID: 24013638, 24287434). Additionally, expression analysis showed that this tumor sample clustered with the PAX5 altered p.Pro80Arg subtype (internal data). In summary, this variant meets criteria to be classified as of likely pathogenic based on the ACMG/AMP criteria and additional internal data: PS3, PM2_supporting, PP3.